The following is an entry in ClinVar:

NM_001375808.2(LPIN2):c.2681A>G (p.Asp894Gly)

Gene: LPIN2 (lipin 2; minus strand). Cytogenetic location: 18p11.31.
Variant type: single nucleotide variant.
Coding change: c.2681A>G on transcript NM_001375808.2 (MANE Select); coding-DNA position 2681, A replaced by G.
Protein change: p.Asp894Gly; replaces aspartic acid 894 with glycine.
Molecular consequence: missense variant.
Genome position (GRCh38, 1-based): chr18:2,920,303, T>C on the plus strand (A>G on the coding strand, the complement: LPIN2 is on the minus strand). VCF-style: chr18-2920303-T-C. GRCh37 (hg19) VCF-style: chr18-2920301-T-C.
Other names: c.2681A>G, p.Asp894Gly (NM_001375809.1, NM_014646.2); short protein forms D894G.
Identifiers: ClinVar variation 4774147 (VCV004774147.1).

ClinVar aggregate classification (germline): Uncertain significance (1 of 4 stars; one submission).

Conditions:
Majeed syndrome (MJDS). Also called: LPIN2-Related Majeed Syndrome; CHRONIC RECURRENT MULTIFOCAL OSTEOMYELITIS 1, WITH CONGENITAL DYSERYTHROPOIETIC ANEMIA, WITH OR WITHOUT NEUTROPHILIC DERMATOSIS. Identifiers: Orphanet 77297, MedGen C1864997, MONDO:0012316, OMIM 609628.

Submission:

Labcorp Genetics (formerly Invitae), Labcorp
Classification: Uncertain significance for Majeed syndrome. Last evaluated: 2025-05-06. Review status: criteria provided, single submitter. Criteria: Invitae Variant Classification Sherloc (09022015). Collection method: clinical testing. Allele origin: germline.
Comment: This sequence change replaces aspartic acid, which is acidic and polar, with glycine, which is neutral and non-polar, at codon 894 of the LPIN2 protein (p.Asp894Gly). This variant is not present in population databases (gnomAD no frequency). This variant has not been reported in the literature in individuals affected with LPIN2-related conditions. An algorithm developed to predict the effect of missense changes on protein structure and function (PolyPhen-2) suggests that this variant is likely to be tolerated. In summary, the available evidence is currently insufficient to determine the role of this variant in disease. Therefore, it has been classified as a Variant of Uncertain Significance.